The following is an entry in ClinVar:

NM_001080432.3(FTO):c.*2442A>T

Gene: FTO (FTO alpha-ketoglutarate dependent dioxygenase; plus strand). Cytogenetic location: 16q12.2.
Variant type: single nucleotide variant.
Coding change: c.*2442A>T on transcript NM_001080432.3 (MANE Select); 2442 bases downstream of the stop codon, A replaced by T.
Molecular consequence: 3 prime UTR variant.
Genome position (GRCh38, 1-based): chr16:54,114,357, A>T. VCF-style: chr16-54114357-A-T. GRCh37 (hg19) VCF-style: chr16-54148269-A-T.
Other names: c.*2442A>T (NM_001363891.2, NM_001363894.2, NM_001363896.2 and 6 more transcripts); c.*2560A>T (NM_001363903.2); c.*2618A>T (NM_001363988.2).
Identifiers: ClinVar variation 319738 (VCV000319738.5), dbSNP rs114255834, ClinGen allele CA10647737.

ClinVar aggregate classification (germline): Benign (1 of 4 stars; one submission).

Conditions:
Lethal polymalformative syndrome, Boissel type. Also called: GROWTH RETARDATION, DEVELOPMENTAL DELAY, AND FACIAL DYSMORPHISM. Identifiers: Orphanet 210144, MedGen C2752001, MONDO:0013050, OMIM 612938.

Allele frequency attached by ClinVar (database versions not stated): gnomAD 0.00617 and 0.00666; TOPMed 0.00726; 1000 Genomes Project 30x 0.00796; 1000 Genomes Project 0.00859.

Submission:

Illumina Laboratory Services, Illumina
Classification: Benign for Lethal polymalformative syndrome, Boissel type. Last evaluated: 2018-01-13. Review status: criteria provided, single submitter. Criteria: ICSL Variant Classification Criteria 13 December 2019. Collection method: clinical testing. Allele origin: germline.
Comment: This variant was observed in the ICSL laboratory as part of a predisposition screen in an ostensibly healthy population. It had not been previously curated by ICSL or reported in the Human Gene Mutation Database (HGMD: prior to June 1st, 2018), and was therefore a candidate for classification through an automated scoring system. Utilizing variant allele frequency, disease prevalence and penetrance estimates, and inheritance mode, an automated score was calculated to assess if this variant is too frequent to cause the disease. Based on the score and internal cut-off values, a variant classified as benign is not then subjected to further curation. The score for this variant resulted in a classification of benign for this disease.